The following is an entry in ClinVar:

NM_001690.4(ATP6V1A):c.1727A>G (p.Asp576Gly)

Gene: ATP6V1A (ATPase H+ transporting V1 subunit A; plus strand). Cytogenetic location: 3q13.31.
Variant type: single nucleotide variant.
Coding change: c.1727A>G on transcript NM_001690.4 (MANE Select); coding-DNA position 1727, A replaced by G.
Protein change: p.Asp576Gly; replaces aspartic acid 576 with glycine.
Molecular consequence: missense variant.
Genome position (GRCh38, 1-based): chr3:113,805,491, A>G. VCF-style: chr3-113805491-A-G. GRCh37 (hg19) VCF-style: chr3-113524338-A-G.
Other names: c.1727A>G (NM_001690.3); short protein forms D576G.
Identifiers: ClinVar variation 2169859 (VCV002169859.5), dbSNP rs979241083, ClinGen allele CA81600857.

ClinVar aggregate classification (germline): Uncertain significance. Review status: criteria provided, multiple submitters, no conflicts (2 of 4 stars). 2 submissions from 2 submitters: Uncertain significance (2). Last evaluated 2025-11-25.

Conditions:
Inborn genetic diseases. Identifiers: MedGen C0950123, MeSH D030342.

Allele frequency attached by ClinVar (database versions not stated): gnomAD 0.00001; TOPMed 0.00002.
gnomAD v4.1: 4 of 1,613,836 alleles (0.00025%); highest among the groups gnomAD compares: African/African-American, 0.0053%; no homozygotes.

Submissions (2):

Ambry Genetics
Classification: Uncertain significance for Inborn genetic diseases. Last evaluated: 2025-11-25. Review status: criteria provided, single submitter. Criteria: Ambry Variant Classification Scheme 2023. Collection method: clinical testing. Allele origin: germline.

Labcorp Genetics (formerly Invitae), Labcorp
Classification: Uncertain significance. Last evaluated: 2023-08-04. Review status: criteria provided, single submitter. Criteria: Invitae Variant Classification Sherloc (09022015). Collection method: clinical testing. Allele origin: germline.
Comment: This sequence change replaces aspartic acid, which is acidic and polar, with glycine, which is neutral and non-polar, at codon 576 of the ATP6V1A protein (p.Asp576Gly). This variant is present in population databases (no rsID available, gnomAD 0.01%). This variant has not been reported in the literature in individuals affected with ATP6V1A-related conditions. ClinVar contains an entry for this variant (Variation ID: 2169859). Advanced modeling of protein sequence and biophysical properties (such as structural, functional, and spatial information, amino acid conservation, physicochemical variation, residue mobility, and thermodynamic stability) performed at Invitae indicates that this missense variant is not expected to disrupt ATP6V1A protein function. In summary, the available evidence is currently insufficient to determine the role of this variant in disease. Therefore, it has been classified as a Variant of Uncertain Significance.